The following is an entry in ClinVar:

NM_001011.4(RPS7):c.178A>G (p.Ile60Val)

Gene: RPS7 (ribosomal protein S7; plus strand). Cytogenetic location: 2p25.3.
Variant type: single nucleotide variant.
Coding change: c.178A>G on transcript NM_001011.4 (MANE Select); coding-DNA position 178, A replaced by G.
Protein change: p.Ile60Val; replaces isoleucine 60 with valine.
Molecular consequence: missense variant.
Genome position (GRCh38, 1-based): chr2:3,576,517, A>G. VCF-style: chr2-3576517-A-G. GRCh37 (hg19) VCF-style: chr2-3624107-A-G.
Other names: short protein forms I60V.
Identifiers: ClinVar variation 2078832 (VCV002078832.4), dbSNP rs922826398, ClinGen allele CA41546707.

ClinVar aggregate classification (germline): Uncertain significance (1 of 4 stars; one submission).

Conditions:
Diamond-Blackfan anemia 8 (DBA8). Also called: RPS7-Related Diamond-Blackfan Anemia. Identifiers: Orphanet 124, MedGen C2675511, MONDO:0012939, OMIM 612563.

Allele frequency attached by ClinVar (database versions not stated): gnomAD exomes 0.00001.
gnomAD v4.1: 7 of 1,614,058 alleles (0.00043%); highest among the groups gnomAD compares: Non-Finnish European, 0.00059%; no homozygotes.

Submission:

Labcorp Genetics (formerly Invitae), Labcorp
Classification: Uncertain significance for Diamond-Blackfan anemia 8. Last evaluated: 2022-03-10. Review status: criteria provided, single submitter. Criteria: Invitae Variant Classification Sherloc (09022015). Collection method: clinical testing. Allele origin: germline.
Comment: This sequence change replaces isoleucine, which is neutral and non-polar, with valine, which is neutral and non-polar, at codon 60 of the RPS7 protein (p.Ile60Val). This variant is present in population databases (no rsID available, gnomAD 0.0009%). This variant has not been reported in the literature in individuals affected with RPS7-related conditions. Algorithms developed to predict the effect of missense changes on protein structure and function (SIFT, PolyPhen-2, Align-GVGD) all suggest that this variant is likely to be tolerated. In summary, the available evidence is currently insufficient to determine the role of this variant in disease. Therefore, it has been classified as a Variant of Uncertain Significance.